The following is an entry in ClinVar:

ClinVar aggregate classification (germline): Uncertain significance (1 of 4 stars; one submission).

Conditions:
Pigmentary pallidal degeneration (NBIA1). Also called: Pantothenate Kinase-Associated Neurodegeneration; Neuroaxonal dystrophy, late infantile; Hallervorden-Spatz disease; HARP SYNDROME; PKAN NEUROAXONAL DYSTROPHY, JUVENILE-ONSET; Neurodegeneration with brain iron accumulation 1. Identifiers: Orphanet 157850, MedGen C0018523, MONDO:0009319, OMIM 234200.

Submission:

Labcorp Genetics (formerly Invitae), Labcorp
Classification: Uncertain significance for Pigmentary pallidal degeneration. Last evaluated: 2022-10-24. Review status: criteria provided, single submitter. Criteria: Invitae Variant Classification Sherloc (09022015). Collection method: clinical testing. Allele origin: germline.
Comment: This variant results in a copy number gain of the genomic region encompassing exon(s) 1-4 of the PANK2 gene. This region includes the initiator codon of the gene. This copy number gain extends beyond the assayed region for this gene and therefore may encompass additional genes. As the precise location of this event is unknown, it may be in tandem or it may be located elsewhere in the genome. This variant has not been reported in the literature in individuals affected with PANK2-related conditions. In summary, the available evidence is currently insufficient to determine the role of this variant in disease. Therefore, it has been classified as a Variant of Uncertain Significance.

NC_000020.10:g.(?_3869748)_(3893301_?)dup

Gene: PANK2 (pantothenate kinase 2; plus strand). Cytogenetic location: 20p13.
Variant type: Duplication.
Identifiers: ClinVar variation 2427437 (VCV002427437.3).